The following is an entry in ClinVar:

NM_004463.3(FGD1):c.452T>C (p.Leu151Pro)

Gene: FGD1 (FYVE, RhoGEF and PH domain containing 1; minus strand). Cytogenetic location: Xp11.22.
Variant type: single nucleotide variant.
Coding change: c.452T>C on transcript NM_004463.3 (MANE Select); coding-DNA position 452, T replaced by C.
Protein change: p.Leu151Pro; replaces leucine 151 with proline.
Molecular consequence: missense variant.
Genome position (GRCh38, 1-based): chrX:54,471,343, A>G on the plus strand (T>C on the coding strand, the complement: FGD1 is on the minus strand). VCF-style: chrX-54471343-A-G. GRCh37 (hg19) VCF-style: chrX-54497776-A-G.
Other names: short protein forms L151P.
Identifiers: ClinVar variation 4992540 (VCV004992540.1).

ClinVar aggregate classification (germline): Uncertain significance (1 of 4 stars; one submission).

Conditions:
FGD1-related disorder. Also called: FGD1-related condition; FGD1-related disorders.

gnomAD v4.1: 1 of 1,210,535 alleles (0.000083%); highest among the groups gnomAD compares: Non-Finnish European, 0.00011%; no homozygotes.

Submission:

PreventionGenetics, part of Exact Sciences
Classification: Uncertain significance for FGD1-related condition. Last evaluated: 2025-10-15. Review status: criteria provided, single submitter. Criteria: ACMG Guidelines, 2015. Collection method: clinical testing. Allele origin: germline.
Comment: The FGD1 c.452T>C variant is predicted to result in the amino acid substitution p.Leu151Pro. To our knowledge, this variant has not been reported in the literature. This variant is reported in 0.0012% of alleles in individuals of European (Non-Finnish) descent in gnomAD. At this time, the clinical significance of this variant is uncertain due to the absence of conclusive functional and genetic evidence.